The following is an entry in ClinVar:

ClinVar aggregate classification (germline): Uncertain significance. Review status: criteria provided, multiple submitters, no conflicts (2 of 4 stars). 2 submissions from 2 submitters: Uncertain significance (2). Last evaluated 2025-04-01.

gnomAD v4.1: 29 of 1,611,174 alleles (0.0018%); highest among the groups gnomAD compares: Non-Finnish European, 0.0023%; no homozygotes.

Submissions (2):

Ambry Genetics
Classification: Uncertain significance. Last evaluated: 2025-04-01. Review status: criteria provided, single submitter. Criteria: Ambry Variant Classification Scheme 2023. Collection method: clinical testing. Allele origin: germline.

Labcorp Genetics (formerly Invitae), Labcorp
Classification: Uncertain significance. Last evaluated: 2022-05-03. Review status: criteria provided, single submitter. Criteria: Invitae Variant Classification Sherloc (09022015). Collection method: clinical testing. Allele origin: germline.
Comment: In summary, the available evidence is currently insufficient to determine the role of this variant in disease. Therefore, it has been classified as a Variant of Uncertain Significance. Algorithms developed to predict the effect of missense changes on protein structure and function are either unavailable or do not agree on the potential impact of this missense change (SIFT: "Deleterious"; PolyPhen-2: "Probably Damaging"; Align-GVGD: "Class C0"). This variant has not been reported in the literature in individuals affected with PLEKHM2-related conditions. This variant is not present in population databases (gnomAD no frequency). This sequence change replaces arginine, which is basic and polar, with glutamine, which is neutral and polar, at codon 602 of the PLEKHM2 protein (p.Arg602Gln).

NM_015164.4(PLEKHM2):c.1805G>A (p.Arg602Gln)

Gene: PLEKHM2 (pleckstrin homology and RUN domain containing M2; plus strand). Cytogenetic location: 1p36.21.
Variant type: single nucleotide variant.
Coding change: c.1805G>A on transcript NM_015164.4 (MANE Select); coding-DNA position 1805, G replaced by A.
Protein change: p.Arg602Gln; replaces arginine 602 with glutamine.
Molecular consequence: missense variant.
Genome position (GRCh38, 1-based): chr1:15,728,123, G>A. VCF-style: chr1-15728123-G-A. GRCh37 (hg19) VCF-style: chr1-16054618-G-A.
Other names: c.1745G>A, p.Arg582Gln (NM_001410755.1); c.1805G>A (NM_015164.2); short protein forms R582Q, R602Q.
Identifiers: ClinVar variation 2080450 (VCV002080450.5), dbSNP rs933578223, ClinGen allele CA18300667.